The following is an entry in ClinVar:

NM_014856.3(DENND4B):c.3269G>A (p.Arg1090His)

Gene: DENND4B (DENN domain containing 4B; minus strand). Cytogenetic location: 1q21.3.
Variant type: single nucleotide variant.
Coding change: c.3269G>A on transcript NM_014856.3 (MANE Select); coding-DNA position 3269, G replaced by A.
Protein change: p.Arg1090His; replaces arginine 1090 with histidine.
Molecular consequence: missense variant.
Genome position (GRCh38, 1-based): chr1:153,933,544, C>T on the plus strand (G>A on the coding strand, the complement: DENND4B is on the minus strand). VCF-style: chr1-153933544-C-T. GRCh37 (hg19) VCF-style: chr1-153906020-C-T.
Other names: c.3302G>A, p.Arg1101His (NM_001367466.1); short protein forms R1090H, R1101H.
Identifiers: ClinVar variation 3052285 (VCV003052285.3), dbSNP rs563400217, ClinGen allele CA1121236.

ClinVar aggregate classification (germline): Uncertain significance. Review status: criteria provided, single submitter (1 of 4 stars). 2 submissions from 2 submitters: Uncertain significance (1). 1 of the submissions does not count toward it. Last evaluated 2025-09-22.

Conditions:
DENND4B-related disorder. Also called: DENND4B-related condition.

Allele frequency attached by ClinVar (database versions not stated): 1000 Genomes Project 0.00040; ExAC 0.00020; 1000 Genomes Project 30x 0.00031; gnomAD 0.00039; TOPMed 0.00044.

Submissions (2):

Ambry Genetics
Classification: Uncertain significance. Last evaluated: 2025-09-22. Review status: criteria provided, single submitter. Criteria: Ambry Variant Classification Scheme 2023. Collection method: clinical testing. Allele origin: germline.

PreventionGenetics, part of Exact Sciences
Classification: Likely benign for DENND4B-related condition. Last evaluated: 2022-05-25. Review status: no assertion criteria provided. Collection method: clinical testing. Allele origin: germline. Not counted in ClinVar's aggregate classification.
Comment: This variant is classified as likely benign based on ACMG/AMP sequence variant interpretation guidelines (Richards et al. 2015 PMID: 25741868, with internal and published modifications).